The following is an entry in ClinVar:

ClinVar aggregate classification (germline): Pathogenic/Likely pathogenic. Review status: criteria provided, multiple submitters, no conflicts (2 of 4 stars). 9 submissions from 9 submitters: Pathogenic (7); Likely pathogenic (1). 1 of the submissions does not count toward it. Last evaluated 2025-09-09.

Conditions:
ERF-related disorder. Also called: ERF-related disorders; ERF-related condition.
Inborn genetic diseases. Identifiers: MedGen C0950123, MeSH D030342.
Lambdoidal craniosynostosis. Identifiers: MedGen C1833340, HP:0004443.
TWIST1-related craniosynostosis (CRS1). Also called: CRANIOSYNOSTOSIS 1. Identifiers: Orphanet 63440, MedGen C4551902, MONDO:0007399, OMIM 123100. Inheritance: Heterogenous inheritance pattern.

Allele frequency attached by ClinVar (database versions not stated): gnomAD exomes below 0.00001.

Submissions (9):

Ambry Genetics
Classification: Likely pathogenic for Inborn genetic diseases. Last evaluated: 2025-09-09. Review status: criteria provided, single submitter. Criteria: Ambry Variant Classification Scheme 2023. Collection method: clinical testing. Allele origin: germline.
Comment: The c.256C>T (p.R86C) alteration is located in exon 2 (coding exon 2) of the ERF gene. This alteration results from a C to T substitution at nucleotide position 256, causing the arginine (R) at amino acid position 86 to be replaced by a cysteine (C). This variant was not reported in population-based cohorts in the Genome Aggregation Database (gnomAD). This variant was reported in individual(s) with features consistent with ERF-related neurodevelopmental disorder; in at least one individual, it was determined to be de novo (Twigg, 2013; Seo, 2020). This amino acid position is highly conserved in available vertebrate species. This missense alteration is located in a region that has a low rate of benign missense variation (Lek, 2016; Firth, 2009). This alteration is predicted to be deleterious by in silico analysis. Based on the available evidence, this alteration is classified as likely pathogenic.

Hacettepe Pediatric Genetics Laboratory, Hacettepe University
Classification: Pathogenic for Lambdoidal craniosynostosis. Last evaluated: 2024-12-25. Review status: criteria provided, single submitter. Criteria: ACMG Guidelines, 2015. Collection method: clinical testing. Allele origin: maternal. Inheritance: Autosomal dominant inheritance. Affected: yes. Observed: 1 heterozygote.
Comment: The c.256C>T (p.Arg86Cys) variant is classified as 'pathogenic' according to the AMCG 2019 criteria. This variant was scored as deleterious by SIFT (score 0) and Mutation Taster (score 1) prediction programmes. In summary, the Arg86Cys variant meets our criteria to be classified as pathogenic.

Genomic Medicine Center of Excellence, King Faisal Specialist Hospital and Research Centre
Classification: Pathogenic for Craniosynostosis 4. Last evaluated: 2024-06-29. Review status: criteria provided, single submitter. Criteria: ACMG Guidelines, 2015. Collection method: clinical testing. Allele origin: germline.

PreventionGenetics, part of Exact Sciences
Classification: Pathogenic for ERF-related condition. Last evaluated: 2023-10-04. Review status: criteria provided, single submitter. Criteria: ACMG Guidelines, 2015. Collection method: clinical testing. Allele origin: germline.
Comment: The ERF c.256C>T variant is predicted to result in the amino acid substitution p.Arg86Cys. This variant was reported as de novo and inherited from an affected father in two apparently unrelated individuals with craniosynostosis (Twigg. 2013. PubMed ID: 23354439; Table S2, Seo. 2020. PubMed ID: 32901917). Variable expressivity and incomplete penetrance has been reported for variants in ERF (Glass. 2019. PubMed ID: 30758909). This variant has not been reported in a large population database, indicating this variant is rare. This variant is interpreted as pathogenic.

GeneDx
Classification: Pathogenic. Last evaluated: 2023-06-07. Review status: criteria provided, single submitter. Criteria: GeneDx Variant Classification Process June 2021. Collection method: clinical testing. Allele origin: germline. Affected: yes.
Comment: Published functional studies demonstrate a damaging effect with failure to repress ETS binding site-containing promoters (Twigg et al., 2013); Not observed at significant frequency in large population cohorts (gnomAD); In silico analysis supports that this missense variant has a deleterious effect on protein structure/function; This variant is associated with the following publications: (PMID: 28160402, 27738187, 32901917, 35852485, 35952322, 23354439)

CeGaT Center for Human Genetics Tuebingen
Classification: Pathogenic. Last evaluated: 2022-12-01. Review status: criteria provided, single submitter. Criteria: CeGaT Center For Human Genetics Tuebingen Variant Classification Criteria Version 2. Collection method: clinical testing. Allele origin: germline. Affected: yes. Observed: 2 variant alleles.
Comment: ERF: PM1, PM2, PM6, PS4:Moderate, PP3, PS3:Supporting

3billion
Classification: Pathogenic for Craniosynostosis 4. Last evaluated: 2021-10-02. Review status: criteria provided, single submitter. Criteria: ACMG Guidelines, 2015. Collection method: clinical testing. Allele origin: paternal. Affected: yes. Observed: 1 heterozygote.
Comment: Same nucleotide change resulting in same amino acid change has been previously reported as de novoo in similarly affected unrelated individual and observed in at least two similarly affected unrelated individuals (ClinVar ID: VCV000055925.4, PMID:23354439, PS2, PS4_M). It is not observed in the gnomAD v2.1.1 dataset (PM2). In silico tool predictions suggest damaging effect of the variant on gene or gene product (REVEL: 0.765, 3Cnet: 0.950, PP3). Patient's phenotype is considered compatible with Craniosynostosis 4 (3billion dataset, PP4). Therefore, this variant is classified likely pathogenic according to the recommendation of ACMG/AMP guideline.

Labcorp Genetics (formerly Invitae), Labcorp
Classification: Pathogenic for TWIST1-related craniosynostosis. Last evaluated: 2019-02-04. Review status: criteria provided, single submitter. Criteria: Invitae Variant Classification Sherloc (09022015). Collection method: clinical testing. Allele origin: germline.
Comment: For these reasons, this variant has been classified as Pathogenic. Algorithms developed to predict the effect of sequence changes on RNA splicing suggest that this variant may disrupt the consensus splice site, but this prediction has not been confirmed by published transcriptional studies. This variant has been reported to affect ERF protein function (PMID:23354439). This variant has been observed to be de novo in individuals affected with craniosynostosis (PMID: 23354439). ClinVar contains an entry for this variant (Variation ID: 55925). This variant is not present in population databases (ExAC no frequency). This sequence change replaces arginine with cysteine at codon 86 of the ERF protein (p.Arg86Cys). The arginine residue is highly conserved and there is a large physicochemical difference between arginine and cysteine.

OMIM
Classification: Pathogenic for CRANIOSYNOSTOSIS 4. Last evaluated: 2013-03-01. Review status: no assertion criteria provided. Collection method: literature only. Allele origin: germline. Not counted in ClinVar's aggregate classification.

Literature cited by the submitters: PubMed 23354439 (cited by 4 submitters); PubMed 32901917 (cited by Ambry Genetics).

NM_006494.4(ERF):c.256C>T (p.Arg86Cys)

Gene: ERF (ETS2 repressor factor; minus strand). Cytogenetic location: 19q13.2.
Variant type: single nucleotide variant.
Coding change: c.256C>T on transcript NM_006494.4 (MANE Select); coding-DNA position 256, C replaced by T.
Protein change: p.Arg86Cys; replaces arginine 86 with cysteine.
Molecular consequence: missense variant.
Genome position (GRCh38, 1-based): chr19:42,250,332, G>A on the plus strand (C>T on the coding strand, the complement: ERF is on the minus strand). VCF-style: chr19-42250332-G-A. GRCh37 (hg19) VCF-style: chr19-42754484-G-A.
Other names: c.31C>T, p.Arg11Cys (NM_001301035.2, NM_001308402.2, NM_001312656.2); short protein forms R86C, R11C.
Identifiers: ClinVar variation 55925 (VCV000055925.53), dbSNP rs587777008, ClinGen allele CA249531.